The following is an entry in ClinVar:

ClinVar aggregate classification (germline): Pathogenic (1 of 4 stars; one submission).

Conditions:
Inborn genetic diseases. Identifiers: MedGen C0950123, MeSH D030342.

Submission:

Ambry Genetics
Classification: Pathogenic for Inborn genetic diseases. Last evaluated: 2023-05-10. Review status: criteria provided, single submitter. Criteria: Ambry Variant Classification Scheme 2023. Collection method: clinical testing. Allele origin: germline.
Comment: The c.880C>T (p.Q294*) alteration, located in exon 3 (coding exon 3) of the IQSEC2 gene, consists of a C to T substitution at nucleotide position 880. This changes the amino acid from a glutamine (Q) to a stop codon at amino acid position 294. This alteration is expected to result in loss of function by premature protein truncation or nonsense-mediated mRNA decay. This variant was not reported in population-based cohorts in the Genome Aggregation Database (gnomAD). Based on the available evidence, this alteration is classified as pathogenic.

NM_001111125.3(IQSEC2):c.880C>T (p.Gln294Ter)

Gene: IQSEC2 (IQ motif and Sec7 domain ArfGEF 2; minus strand). Cytogenetic location: Xp11.22.
Variant type: single nucleotide variant.
Coding change: c.880C>T on transcript NM_001111125.3 (MANE Select); coding-DNA position 880, C replaced by T.
Protein change: p.Gln294Ter; replaces glutamine 294 with a stop codon.
Molecular consequence: nonsense.
Genome position (GRCh38, 1-based): chrX:53,255,919, G>A on the plus strand (C>T on the coding strand, the complement: IQSEC2 is on the minus strand). VCF-style: chrX-53255919-G-A. GRCh37 (hg19) VCF-style: chrX-53285101-G-A.
Other names: c.880C>T, p.Gln294Ter (NM_001410736.1); c.265C>T, p.Gln89Ter (NM_015075.2); short protein forms Q294*, Q89*.
Identifiers: ClinVar variation 2530831 (VCV002530831.2), dbSNP rs2519851872, ClinGen allele CA413171630.